The following is an entry in ClinVar:

ClinVar aggregate classification (germline): Uncertain significance. Review status: criteria provided, multiple submitters, no conflicts (2 of 4 stars). 2 submissions from 2 submitters: Uncertain significance (2). Last evaluated 2026-09-10.

Submissions (2):

Ambry Genetics
Classification: Uncertain significance. Last evaluated: 2026-09-10. Review status: criteria provided, single submitter. Criteria: Ambry Variant Classification Scheme 2023. Collection method: clinical testing. Allele origin: germline.

CeGaT Center for Human Genetics Tuebingen
Classification: Uncertain significance. Last evaluated: 2026-08-01. Review status: criteria provided, single submitter. Criteria: CeGaT Center For Human Genetics Tuebingen Variant Classification Criteria Version 2. Collection method: clinical testing. Allele origin: germline. Affected: yes. Observed: 1 variant allele.
Comment: UGGT1: PM2

NM_020120.4(UGGT1):c.1055A>G (p.Asn352Ser)

Gene: UGGT1 (UDP-glucose glycoprotein glucosyltransferase 1; plus strand). Cytogenetic location: 2q14.3.
Variant type: single nucleotide variant.
Coding change: c.1055A>G on transcript NM_020120.4 (MANE Select); coding-DNA position 1055, A replaced by G.
Protein change: p.Asn352Ser; replaces asparagine 352 with serine.
Molecular consequence: missense variant. On other transcripts: non-coding transcript variant (1).
Genome position (GRCh38, 1-based): chr2:128,121,280, A>G. VCF-style: chr2-128121280-A-G. GRCh37 (hg19) VCF-style: chr2-128878854-A-G.
Other names: short protein forms N352S.
Identifiers: ClinVar variation 5031580 (VCV005031580.2).
Genomic context (GRCh38, chr2:128,121,280, plus strand): 5'-CTCGAATCTTGGCTTCTCCTGTTGAGTTGGCTTTGGTTGTCATGAAGGATCTTAGTCAGA[A>G]TTTTCCTACCAAAGCCAGGTAATGTAGAATAATGCTCTTCTCCTTAACATCATACCCAGT-3'
Protein context (NP_064505.1, residues 342-362): ALVVMKDLSQ[Asn352Ser]FPTKARAITK